The following is an entry in ClinVar:

NM_000388.4(CASR):c.916G>T (p.Ala306Ser)

Gene: CASR (calcium sensing receptor; plus strand). Cytogenetic location: 3q21.1.
Variant type: single nucleotide variant.
Coding change: c.916G>T on transcript NM_000388.4 (MANE Select); coding-DNA position 916, G replaced by T.
Protein change: p.Ala306Ser; replaces alanine 306 with serine.
Molecular consequence: missense variant.
Genome position (GRCh38, 1-based): chr3:122,261,951, G>T. VCF-style: chr3-122261951-G-T. GRCh37 (hg19) VCF-style: chr3-121980798-G-T.
Other names: c.916G>T, p.Ala306Ser (NM_001178065.2); short protein forms A306S.
Identifiers: ClinVar variation 850942 (VCV000850942.8), dbSNP rs2074630775, ClinGen allele CA354151628.

ClinVar aggregate classification (germline): Uncertain significance (1 of 4 stars; one submission).

Conditions:
Autosomal dominant hypocalcemia 1 (HYPOC1). Also called: HYPOCALCEMIA, FAMILIAL. Identifiers: MedGen C3715128, MONDO:0011013, OMIM 601198.
Familial hypocalciuric hypercalcemia (FHH). Also called: Familial benign hypercalcemia. Identifiers: Orphanet 405, MedGen C1809471, MONDO:0018458.

Submission:

Labcorp Genetics (formerly Invitae), Labcorp
Classification: Uncertain significance for Familial hypocalciuric hypercalcemia; Autosomal dominant hypocalcemia 1. Last evaluated: 2021-09-29. Review status: criteria provided, single submitter. Criteria: Invitae Variant Classification Sherloc (09022015). Collection method: clinical testing. Allele origin: germline.
Comment: In summary, the available evidence is currently insufficient to determine the role of this variant in disease. Therefore, it has been classified as a Variant of Uncertain Significance. Algorithms developed to predict the effect of missense changes on protein structure and function (SIFT, PolyPhen-2, Align-GVGD) all suggest that this variant is likely to be disruptive. This variant has not been reported in the literature in individuals affected with CASR-related conditions. This variant is not present in population databases (ExAC no frequency). This sequence change replaces alanine with serine at codon 306 of the CASR protein (p.Ala306Ser). The alanine residue is highly conserved and there is a moderate physicochemical difference between alanine and serine.